The following is an entry in ClinVar:

ClinVar aggregate classification (germline): Uncertain significance (1 of 4 stars; one submission).

Submission:

GeneDx
Classification: Uncertain significance. Last evaluated: 2025-02-06. Review status: criteria provided, single submitter. Criteria: GeneDx Variant Classification Process June 2021. Collection method: clinical testing. Allele origin: germline. Affected: yes.
Comment: Not observed at significant frequency in large population cohorts (gnomAD); In silico analysis supports a deleterious effect on protein structure/function; Has not been previously published as pathogenic or benign to our knowledge

NM_001927.4(DES):c.472_473delinsTT (p.Glu158Leu)

Gene: DES (desmin; plus strand). Cytogenetic location: 2q35.
Variant type: Indel.
Coding change: c.472_473delinsTT on transcript NM_001927.4 (MANE Select); coding-DNA positions 472 to 473, GA replaced by TT.
Protein change: p.Glu158Leu; replaces glutamic acid 158 with leucine.
Molecular consequence: missense variant.
Genome position (GRCh38, 1-based): chr2:219,418,934-219,418,935, GA replaced by TT. VCF-style: chr2-219418934-GA-TT. GRCh37 (hg19) VCF-style: chr2-220283656-GA-TT.
Other names: c.472_473delinsTT, p.Glu158Leu (NM_001382712.1, NM_001382713.1, NM_001382708.1 and 3 more transcripts); c.472_473delGAinsTT, p.Glu158Leu (NM_001927.3); short protein forms E158L.
Identifiers: ClinVar variation 4074508 (VCV004074508.1).